The following is an entry in ClinVar:

NM_152419.3(HGSNAT):c.*2740C>T

Gene: HGSNAT (heparan-alpha-glucosaminide N-acetyltransferase; plus strand). Cytogenetic location: 8p11.1.
Variant type: single nucleotide variant.
Coding change: c.*2740C>T on transcript NM_152419.3 (MANE Select); 2740 bases downstream of the stop codon, C replaced by T.
Molecular consequence: 3 prime UTR variant.
Genome position (GRCh38, 1-based): chr8:43,202,309, C>T. VCF-style: chr8-43202309-C-T. GRCh37 (hg19) VCF-style: chr8-43057452-C-T.
Other names: c.*2740C>T (NM_001363227.2, NM_001363228.2, NM_001363229.2).
Identifiers: ClinVar variation 910613 (VCV000910613.4), dbSNP rs114940430, ClinGen allele CA176078056.

ClinVar aggregate classification (germline): Likely benign (1 of 4 stars; one submission).

Conditions:
Mucopolysaccharidosis, MPS-III-C (MPS3C). Also called: mucopolysaccharidosis type 3C; MUCOPOLYSACCHARIDOSIS, TYPE IIIC; SANFILIPPO SYNDROME C; MPS III C; Mucopolysaccharidosis type IIIC (Sanfilippo C); MPS IIIC (Sanfilippo Syndrome Type C). Identifiers: Orphanet 581, Orphanet 79271, MedGen C0086649, MONDO:0009657, OMIM 252930.

Allele frequency attached by ClinVar (database versions not stated): 1000 Genomes Project 0.00339; gnomAD 0.00293 and 0.00314; TOPMed 0.00312; 1000 Genomes Project 30x 0.00297.

Submission:

Illumina Laboratory Services, Illumina
Classification: Likely benign for Mucopolysaccharidosis, MPS-III-C. Last evaluated: 2018-01-12. Review status: criteria provided, single submitter. Criteria: ICSL Variant Classification Criteria 13 December 2019. Collection method: clinical testing. Allele origin: germline.
Comment: This variant was observed in the ICSL laboratory as part of a predisposition screen in an ostensibly healthy population. It had not been previously curated by ICSL or reported in the Human Gene Mutation Database (HGMD: prior to June 1st, 2018), and was therefore a candidate for classification through an automated scoring system. Utilizing variant allele frequency, disease prevalence and penetrance estimates, and inheritance mode, an automated score was calculated to assess if this variant is too frequent to cause the disease. Based on the score and internal cut-off values, a variant classified as likely benign is not then subjected to further curation. The score for this variant resulted in a classification of likely benign for this disease.